The following is an entry in ClinVar:

NM_001379451.1(BCORL1):c.1240T>C (p.Ser414Pro)

Gene: BCORL1 (BCL6 corepressor like 1; plus strand). Cytogenetic location: Xq26.1.
Variant type: single nucleotide variant.
Coding change: c.1240T>C on transcript NM_001379451.1 (MANE Select); coding-DNA position 1240, T replaced by C.
Protein change: p.Ser414Pro; replaces serine 414 with proline.
Molecular consequence: missense variant.
Genome position (GRCh38, 1-based): chrX:130,014,012, T>C. VCF-style: chrX-130014012-T-C. GRCh37 (hg19) VCF-style: chrX-129147988-T-C.
Other names: c.1240T>C, p.Ser414Pro (NM_001184772.3, NM_001379450.1, NM_021946.5); short protein forms S414P.
Identifiers: ClinVar variation 3901726 (VCV003901726.1).

ClinVar aggregate classification (germline): Uncertain significance (1 of 4 stars; one submission).

gnomAD v4.1: 2 of 1,208,688 alleles (0.00017%); highest among the groups gnomAD compares: Non-Finnish European, 0.00022%; no homozygotes.

Submission:

GeneDx
Classification: Uncertain significance. Last evaluated: 2024-12-03. Review status: criteria provided, single submitter. Criteria: GeneDx Variant Classification Process June 2021. Collection method: clinical testing. Allele origin: germline. Affected: yes.
Comment: Not observed at significant frequency in large population cohorts (gnomAD); In silico analysis indicates that this missense variant does not alter protein structure/function; Has not been previously published as pathogenic or benign to our knowledge